The following is an entry in ClinVar:

NM_000552.5(VWF):c.6932G>A (p.Arg2311His)

Gene: VWF (von Willebrand factor; minus strand). Cytogenetic location: 12p13.31.
Variant type: single nucleotide variant.
Coding change: c.6932G>A on transcript NM_000552.5 (MANE Select); coding-DNA position 6932, G replaced by A.
Protein change: p.Arg2311His; replaces arginine 2311 with histidine.
Molecular consequence: missense variant.
Genome position (GRCh38, 1-based): chr12:5,985,089, C>T on the plus strand (G>A on the coding strand, the complement: VWF is on the minus strand). VCF-style: chr12-5985089-C-T. GRCh37 (hg19) VCF-style: chr12-6094255-C-T.
Other names: short protein forms R2311H.
Identifiers: ClinVar variation 100452 (VCV000100452.2), dbSNP rs267607357, ClinGen allele CA228764.

ClinVar aggregate classification (germline): Uncertain significance. Review status: criteria provided, single submitter (1 of 4 stars). 2 submissions from 2 submitters: Uncertain significance (1). 1 of the submissions does not count toward it. Last evaluated 2026-06-24.

Allele frequency attached by ClinVar (database versions not stated): gnomAD exomes 0.00003 and 0.00002; TOPMed below 0.00001; ExAC 0.00002.
gnomAD v4.1: 42 of 1,614,172 alleles (0.0026%); highest among the groups gnomAD compares: South Asian, 0.0044%; no homozygotes.

Submissions (2):

Women's Health and Genetics/Laboratory Corporation of America, LabCorp
Classification: Uncertain significance. Last evaluated: 2026-06-24. Review status: criteria provided, single submitter. Criteria: LabCorp Variant Classification Summary - May 2015. Collection method: clinical testing. Allele origin: germline.
Comment: Variant summary: VWF c.6932G>A (p.Arg2311His) results in a non-conservative amino acid change in the encoded protein sequence. Algorithms developed to predict the effect of missense changes on protein structure and function are either unavailable or do not agree on the potential impact of this missense change. The variant allele was found at a frequency of 2e-05 in 251476 control chromosomes (gnomAD). The available data on variant occurrences in the general population are insufficient to allow any conclusion about variant significance. c.6932G>A has been observed in at least one individual affected with Von Willebrand Disease (Corrales_2009). The report does not provide unequivocal conclusions about association of the variant with disease. To our knowledge, no experimental evidence demonstrating an impact on protein function has been reported. The following publications have been ascertained in the context of this evaluation (PMID: 19277422, 37647632). ClinVar contains an entry for this variant (Variation ID: 100452). Based on the evidence outlined above, the variant was classified as uncertain significance.

Academic Unit of Haematology, University of Sheffield
No classification provided. Review status: no classification provided. Collection method: not provided. Allele origin: not provided. Not counted in ClinVar's aggregate classification.

Literature cited by the submitters: PubMed 37647632 (cited by Women's Health and Genetics/Laboratory Corporation of America, LabCorp); PubMed 19277422 (cited by Women's Health and Genetics/Laboratory Corporation of America, LabCorp).